The following is an entry in ClinVar:

ClinVar aggregate classification (germline): Pathogenic (1 of 4 stars; one submission).

Conditions:
Hermansky-Pudlak syndrome 2 (HPS2). Also called: Platelet defects and oculocutaneous albinism. Identifiers: Orphanet 183678, Orphanet 79430, MedGen C1842362, MONDO:0011997, OMIM 608233.

Submission:

Labcorp Genetics (formerly Invitae), Labcorp
Classification: Pathogenic for Hermansky-Pudlak syndrome 2. Last evaluated: 2024-01-02. Review status: criteria provided, single submitter. Criteria: Invitae Variant Classification Sherloc (09022015). Collection method: clinical testing. Allele origin: unknown.
Comment: This variant is a gross deletion of the genomic region encompassing exon(s) 1 of the AP3B1 gene, which includes the initiator codon. This deletion extends beyond the assayed region for this gene and therefore may encompass additional genes. It is expected to result in an absent or disrupted protein product. Loss-of-function variants in AP3B1 are known to be pathogenic (PMID: 16507770, 23403622). This variant has not been reported in the literature in individuals affected with AP3B1-related conditions. For these reasons, this variant has been classified as Pathogenic.

Literature cited by the submitters: PubMed 16507770; PubMed 23403622.

NC_000005.9:g.(?_77590256)_(77590403_?)del

Gene: AP3B1 (adaptor related protein complex 3 subunit beta 1; minus strand). Cytogenetic location: 5q14.1.
Variant type: Deletion.
Identifiers: ClinVar variation 3246334 (VCV003246334.1).